The following is an entry in ClinVar:

ClinVar aggregate classification (germline): Uncertain significance (1 of 4 stars; one submission).

Conditions:
FGFR3-related chondrodysplasia. Identifiers: Orphanet 93420, MedGen C5681604, MONDO:0019685.

Submission:

Genomenon, Inc
Classification: Uncertain significance for FGFR3-related chondrodysplasia. Last evaluated: 2026-06-23. Review status: criteria provided, single submitter. Criteria: Genomenon Sequence Variant Interpretation Standards - Updated. Collection method: curation. Allele origin: germline. Affected: no.
Comment: FGFR3 p.Gly697Cys (c.2089G>T) is a missense variant that changes the amino acid at codon 697 from Glycine to Cysteine. To our knowledge, this variant has not been reported in patients affected with an FGFR3-related disorder in the published literature. At least one functional study has demonstrated a substantial alteration in protein function relative to the wild-type (PMID:15880580). It is absent or not present at a significant frequency in gnomAD. In conclusion, we classify FGFR3 p.Gly697Cys (c.2089G>T) as a variant of uncertain significance.

Literature cited by the submitters: PubMed 34272467; PubMed 30834740; PubMed 26992226; PubMed 26574622; PubMed 24626198; PubMed 15880580; PubMed 32299905; PubMed 21116115; PubMed 39138146; PubMed 31167513; PubMed 30545934; PubMed 30423915; PubMed 20094046; PubMed 17912529; PubMed 24711160; PubMed 24667986; PubMed 23900974.

NM_000142.5(FGFR3):c.2089G>T (p.Gly697Cys)

Gene: FGFR3 (fibroblast growth factor receptor 3; plus strand). Cytogenetic location: 4p16.3.
Variant type: single nucleotide variant.
Coding change: c.2089G>T on transcript NM_000142.5 (MANE Select); coding-DNA position 2089, G replaced by T.
Protein change: p.Gly697Cys; replaces glycine 697 with cysteine.
Molecular consequence: missense variant. On other transcripts: non-coding transcript variant (1).
Genome position (GRCh38, 1-based): chr4:1,806,604, G>T. VCF-style: chr4-1806604-G-T. GRCh37 (hg19) VCF-style: chr4-1808331-G-T.
Other names: c.2095G>T, p.Gly699Cys (NM_001163213.2); c.2092G>T, p.Gly698Cys (NM_001354809.2); c.2021G>T, p.Arg674Leu (NM_001354810.2); c.1753G>T, p.Gly585Cys (NM_022965.4); short protein forms G697C, G699C, G585C, R674L, G698C.
Identifiers: ClinVar variation 4857801 (VCV004857801.1), dbSNP rs121913480.
Genomic context (GRCh38, chr4:1,806,604, plus strand): 5'-AGCTGGTCCTTTGGGGTCCTGCTCTGGGAGATCTTCACGCTGGGGGGCTCCCCGTACCCC[G>T]GCATCCCTGTGGAGGAGCTCTTCAAGCTGCTGAAGGAGGGCCACCGCATGGACAAGCCCG-3'
Protein context (NP_000133.1, residues 687-707): IFTLGGSPYP[Gly697Cys]IPVEELFKLL